The following is an entry in ClinVar:

NM_000038.6(APC):c.1894A>G (p.Ile632Val)

Gene: APC (APC regulator of Wnt signaling pathway; plus strand). Cytogenetic location: 5q22.2.
Variant type: single nucleotide variant.
Coding change: c.1894A>G on transcript NM_000038.6 (MANE Select); coding-DNA position 1894, A replaced by G.
Protein change: p.Ile632Val; replaces isoleucine 632 with valine.
Molecular consequence: missense variant.
Genome position (GRCh38, 1-based): chr5:112,835,101, A>G. VCF-style: chr5-112835101-A-G. GRCh37 (hg19) VCF-style: chr5-112170798-A-G.
Other names: c.1894A>G, p.Ile632Val (NM_001127510.3, NM_001354895.2, NM_001407450.1); c.1840A>G, p.Ile614Val (NM_001127511.3); c.1948A>G, p.Ile650Val (NM_001354896.2, NM_001407447.1, NM_001407448.1 and 1 more transcripts); c.1924A>G, p.Ile642Val (NM_001354897.2); c.1819A>G, p.Ile607Val (NM_001354898.2); c.1810A>G, p.Ile604Val (NM_001354899.2); c.1771A>G, p.Ile591Val (NM_001354900.2); c.1717A>G, p.Ile573Val (NM_001354901.2, NM_001407453.1); and 11 more; short protein forms I503V, I541V, I604V, I248V, I506V, I531V, I591V, I625V.
Identifiers: ClinVar variation 1782119 (VCV001782119.2), dbSNP rs2533341183, ClinGen allele CA16025460.
Genomic context (GRCh38, chr5:112,835,101, plus strand): 5'-GCACTTGCATTTTTGGTTGGCACTCTTACTTACCGGAGCCAGACAAACACTTTAGCCATT[A>G]TTGAAAGTGGAGGTGGGATATTACGGAATGTGTCCAGCTTGATAGCTACAAATGAGGACC-3'
Protein context (NP_000029.2, residues 622-642): YRSQTNTLAI[Ile632Val]ESGGGILRNV

ClinVar aggregate classification (germline): Uncertain significance (1 of 4 stars; one submission).

Conditions:
Hereditary cancer-predisposing syndrome. Also called: Neoplastic Syndromes, Hereditary; Tumor predisposition; Hereditary Cancer Syndrome; Hereditary neoplastic syndrome. Identifiers: Orphanet 140162, MedGen C0027672, MeSH D009386, MONDO:0015356.

Submission:

Ambry Genetics
Classification: Uncertain significance for Hereditary cancer-predisposing syndrome. Last evaluated: 2020-11-30. Review status: criteria provided, single submitter. Criteria: Ambry Variant Classification Scheme 2023. Collection method: clinical testing. Allele origin: germline.
Comment: The p.I632V variant (also known as c.1894A>G), located in coding exon 14 of the APC gene, results from an A to G substitution at nucleotide position 1894. The isoleucine at codon 632 is replaced by valine, an amino acid with highly similar properties. This amino acid position is highly conserved in available vertebrate species. In addition, in silico predictors for this gene do not accurately predict pathogenicity. Since supporting evidence is limited at this time, the clinical significance of this alteration remains unclear.